The following is an entry in ClinVar:

ClinVar aggregate classification (germline): Uncertain significance. Review status: criteria provided, multiple submitters, no conflicts (2 of 4 stars). 2 submissions from 2 submitters: Uncertain significance (2). Last evaluated 2025-08-26.

Allele frequency attached by ClinVar (database versions not stated): gnomAD exomes below 0.00001; gnomAD 0.00002 and 0.00003; TOPMed 0.00005.
gnomAD v4.1: 8 of 1,612,996 alleles (0.0005%); highest among the groups gnomAD compares: Admixed American, 0.0034%; no homozygotes.

Submissions (2):

Ambry Genetics
Classification: Uncertain significance. Last evaluated: 2025-08-26. Review status: criteria provided, single submitter. Criteria: Ambry Variant Classification Scheme 2023. Collection method: clinical testing. Allele origin: germline.

Labcorp Genetics (formerly Invitae), Labcorp
Classification: Uncertain significance. Last evaluated: 2022-09-18. Review status: criteria provided, single submitter. Criteria: Invitae Variant Classification Sherloc (09022015). Collection method: clinical testing. Allele origin: germline.
Comment: This sequence change replaces asparagine, which is neutral and polar, with isoleucine, which is neutral and non-polar, at codon 772 of the SULF1 protein (p.Asn772Ile). This variant is not present in population databases (gnomAD no frequency). In summary, the available evidence is currently insufficient to determine the role of this variant in disease. Therefore, it has been classified as a Variant of Uncertain Significance. Algorithms developed to predict the effect of missense changes on protein structure and function are either unavailable or do not agree on the potential impact of this missense change (SIFT: "Deleterious"; PolyPhen-2: "Possibly Damaging"; Align-GVGD: "Class C0"). ClinVar contains an entry for this variant (Variation ID: 1439882). This variant has not been reported in the literature in individuals affected with SULF1-related conditions.

NM_001128205.2(SULF1):c.2315A>T (p.Asn772Ile)

Gene: SULF1 (sulfatase 1; plus strand). Cytogenetic location: 8q13.3.
Variant type: single nucleotide variant.
Coding change: c.2315A>T on transcript NM_001128205.2 (MANE Select); coding-DNA position 2315, A replaced by T.
Protein change: p.Asn772Ile; replaces asparagine 772 with isoleucine.
Molecular consequence: missense variant. On other transcripts: non-coding transcript variant (1).
Genome position (GRCh38, 1-based): chr8:69,638,532, A>T. VCF-style: chr8-69638532-A-T. GRCh37 (hg19) VCF-style: chr8-70550767-A-T.
Other names: c.2315A>T, p.Asn772Ile (NM_001128204.2, NM_001128206.2, NM_015170.3); c.2315A>T (NM_001128205.1); short protein forms N772I.
Identifiers: ClinVar variation 1439882 (VCV001439882.8), dbSNP rs1254749905, ClinGen allele CA371227642.